The following is an entry in ClinVar:

NM_001195263.2(PDZD7):c.937G>A (p.Gly313Arg)

Gene: PDZD7 (PDZ domain containing 7; minus strand). Cytogenetic location: 10q24.31.
Variant type: single nucleotide variant.
Coding change: c.937G>A on transcript NM_001195263.2 (MANE Select); coding-DNA position 937, G replaced by A.
Protein change: p.Gly313Arg; replaces glycine 313 with arginine.
Molecular consequence: missense variant.
Genome position (GRCh38, 1-based): chr10:101,019,209, C>T on the plus strand (G>A on the coding strand, the complement: PDZD7 is on the minus strand). VCF-style: chr10-101019209-C-T. GRCh37 (hg19) VCF-style: chr10-102778966-C-T.
Other names: c.937G>A, p.Gly313Arg (NM_001351044.2, NM_024895.5); short protein forms G313R.
Identifiers: ClinVar variation 806560 (VCV000806560.46), dbSNP rs1234735246, ClinGen allele CA378229078.
Genomic context (GRCh38, chr10:101,019,209, plus strand): 5'-AGGCGCACGAAGAGACGCTGGAGCTGCTCTCAGAGGCCGGGGACAGCTGCTGCAGCACCC[C>T]GTTGCTCACTGCAGGGAGTAGAGAAGCCAGGGATCAGCGGGCTTGCTTCAGAGCCCTGCC-3'
Protein context (NP_001182192.1, residues 303-323): EYCWLDRLSN[Gly313Arg]VLQQLSPASE

ClinVar aggregate classification (germline): Uncertain significance. Review status: criteria provided, multiple submitters, no conflicts (2 of 4 stars). 3 submissions from 3 submitters: Uncertain significance (3). Last evaluated 2023-08-25.

Allele frequency attached by ClinVar (database versions not stated): gnomAD exomes below 0.00001 and 0.00001; TOPMed 0.00001.

Submissions (3):

Blueprint Genetics
Classification: Uncertain significance. Last evaluated: 2023-08-25. Review status: criteria provided, single submitter. Criteria: ACMG Guidelines, 2015. Collection method: clinical testing. Allele origin: germline.

Labcorp Genetics (formerly Invitae), Labcorp
Classification: Uncertain significance. Last evaluated: 2021-08-26. Review status: criteria provided, single submitter. Criteria: Invitae Variant Classification Sherloc (09022015). Collection method: clinical testing. Allele origin: germline.
Comment: This sequence change replaces glycine with arginine at codon 313 of the PDZD7 protein (p.Gly313Arg). The glycine residue is highly conserved and there is a moderate physicochemical difference between glycine and arginine. The frequency data for this variant in the population databases is considered unreliable, as metrics indicate insufficient coverage at this position in the ExAC database. This variant has not been reported in the literature in individuals affected with PDZD7-related conditions. ClinVar contains an entry for this variant (Variation ID: 806560). Algorithms developed to predict the effect of missense changes on protein structure and function are either unavailable or do not agree on the potential impact of this missense change (SIFT: "Deleterious"; PolyPhen-2: "Not Available"; Align-GVGD: "Class C65"). In summary, the available evidence is currently insufficient to determine the role of this variant in disease. Therefore, it has been classified as a Variant of Uncertain Significance.

CeGaT Center for Human Genetics Tuebingen
Classification: Uncertain significance. Last evaluated: 2017-05-01. Review status: criteria provided, single submitter. Criteria: CeGaT Center For Human Genetics Tuebingen Variant Classification Criteria Version 2. Collection method: clinical testing. Allele origin: germline. Affected: yes. Observed: 1 variant allele.